The following is an entry in ClinVar:

ClinVar aggregate classification (germline): Uncertain significance (1 of 4 stars; one submission).

Conditions:
Cardiomyopathy (CMYO). Also called: Cardiomyopathies. Identifiers: Orphanet 167848, MedGen C0878544, MONDO:0004994, HP:0001638. Inheritance: Various modes of inheritance.

gnomAD v4.1: 8 of 1,611,830 alleles (0.0005%); highest among the groups gnomAD compares: Non-Finnish European, 0.00068%; no homozygotes.

Submission:

Color Diagnostics, LLC DBA Color Health
Classification: Uncertain significance for Cardiomyopathy. Last evaluated: 2023-07-21. Review status: criteria provided, single submitter. Criteria: ACMG Guidelines, 2015. Collection method: clinical testing. Allele origin: germline.
Comment: This missense variant replaces proline with alanine at codon 2869 of the RYR2 protein. Computational prediction suggests that this variant may have deleterious impact on protein structure and function (internally defined REVEL score threshold >= 0.7, PMID: 27666373). To our knowledge, functional studies have not been reported for this variant. This variant has not been reported in individuals affected with RYR2-related disorders in the literature. This variant has not been identified in the general population by the Genome Aggregation Database (gnomAD). The available evidence is insufficient to determine the role of this variant in disease conclusively. Therefore, this variant is classified as a Variant of Uncertain Significance.

NM_001035.3(RYR2):c.8605C>G (p.Pro2869Ala)

Gene: RYR2 (ryanodine receptor 2; plus strand). Cytogenetic location: 1q43.
Variant type: single nucleotide variant.
Coding change: c.8605C>G on transcript NM_001035.3 (MANE Select); coding-DNA position 8605, C replaced by G.
Protein change: p.Pro2869Ala; replaces proline 2869 with alanine.
Molecular consequence: missense variant.
Genome position (GRCh38, 1-based): chr1:237,674,110, C>G. VCF-style: chr1-237674110-C-G. GRCh37 (hg19) VCF-style: chr1-237837410-C-G.
Other names: short protein forms P2869A.
Identifiers: ClinVar variation 3894374 (VCV003894374.1).